The following is an entry in ClinVar:

ClinVar aggregate classification (germline): Likely benign (0 of 4 stars; one submission).

Conditions:
PLCE1-related disorder. Also called: PLCE1-related condition.

Allele frequency attached by ClinVar (database versions not stated): gnomAD 0.00018; gnomAD exomes 0.00024; ExAC 0.00029; TOPMed 0.00031; 1000 Genomes Project 30x 0.00047; 1000 Genomes Project 0.00060.

Submission:

PreventionGenetics, part of Exact Sciences
Classification: Likely benign for PLCE1-related condition. Last evaluated: 2023-08-30. Review status: no assertion criteria provided. Collection method: clinical testing. Allele origin: germline.
Comment: This variant is classified as likely benign based on ACMG/AMP sequence variant interpretation guidelines (Richards et al. 2015 PMID: 25741868, with internal and published modifications).

NM_016341.4(PLCE1):c.1207-42904C>T

Genes: PLCE1 (phospholipase C epsilon 1; plus strand), PLCE1-AS2 (PLCE1 antisense RNA 2; minus strand). Cytogenetic location: 10q23.33.
Variant type: single nucleotide variant.
Coding change: c.1207-42904C>T on transcript NM_016341.4 (MANE Select); 42904 bases into the intron before coding-DNA position 1207, C replaced by T.
Molecular consequence: intron variant. On other transcripts: missense variant (1).
Genome position (GRCh38, 1-based): chr10:94,089,270, C>T. VCF-style: chr10-94089270-C-T. GRCh37 (hg19) VCF-style: chr10-95849027-C-T.
Other names: c.176C>T, p.Thr59Met (NM_001165979.2); c.1207-42904C>T (NM_001288989.2); short protein forms T59M.
Identifiers: ClinVar variation 3043575 (VCV003043575.2), dbSNP rs184043006, ClinGen allele CA5612290.
Genomic context (GRCh38, chr10:94,089,270, plus strand): 5'-GCAGCCTCTTAGGCAGAGAGCCCCAGGAGAGGGAAGCAGGCTGTCAGCTGTGGCTTTGCA[C>T]GCTCTCAGCTGTCTTGAAGGTTGGTTGGCTCTTCCCGCTCTCTGAGGTACCCAATTTTAC-3'